The following is an entry in ClinVar:

NM_000053.4(ATP7B):c.3766C>T (p.Gln1256Ter)

Gene: ATP7B (ATPase copper transporting beta; minus strand). Cytogenetic location: 13q14.3.
Variant type: single nucleotide variant.
Coding change: c.3766C>T on transcript NM_000053.4 (MANE Select); coding-DNA position 3766, C replaced by T.
Protein change: p.Gln1256Ter; replaces glutamine 1256 with a stop codon.
Molecular consequence: nonsense.
Genome position (GRCh38, 1-based): chr13:51,937,613, G>A on the plus strand (C>T on the coding strand, the complement: ATP7B is on the minus strand). VCF-style: chr13-51937613-G-A. GRCh37 (hg19) VCF-style: chr13-52511749-G-A.
Other names: c.3145C>T, p.Gln1049Ter (NM_001005918.3); c.3433C>T, p.Gln1145Ter (NM_001243182.2); c.3532C>T, p.Gln1178Ter (NM_001330578.2); c.3514C>T, p.Gln1172Ter (NM_001330579.2); short protein forms Q1049*, Q1145*, Q1172*, Q1178*, Q1256*.
Identifiers: ClinVar variation 986313 (VCV000986313.3), dbSNP rs1957048901, ClinGen allele CA388022198.

ClinVar aggregate classification (germline): Pathogenic. Review status: criteria provided, multiple submitters, no conflicts (2 of 4 stars). 2 submissions from 2 submitters: Pathogenic (2). Last evaluated 2021-08-10.

Conditions:
Wilson disease (WND). Also called: Wilson's disease. Identifiers: Orphanet 905, MedGen C0019202, MONDO:0010200, OMIM 277900. Disease mechanism: loss of function.

Allele frequency attached by ClinVar (database versions not stated): TOPMed below 0.00001; gnomAD 0.00001.
gnomAD v4.1: 1 of 1,614,126 alleles (0.000062%); highest among the groups gnomAD compares: African/African-American, 0.0013%; no homozygotes.

Submissions (2):

Genome-Nilou Lab
Classification: Pathogenic for Wilson disease. Last evaluated: 2021-08-10. Review status: criteria provided, single submitter. Criteria: ACMG Guidelines, 2015. Collection method: clinical testing. Allele origin: germline. Affected: no.

Research Unit for Rare Diseases, 1st Faculty of Medicine, Charles University in Prague
Classification: Pathogenic for Wilson disease. Review status: criteria provided, single submitter. Criteria: ACMG Guidelines, 2015. Collection method: research. Allele origin: not-reported. Inheritance: Autosomal recessive inheritance. Affected: yes. Observed: 1 compound heterozygote.